The following is an entry in ClinVar:

ClinVar aggregate classification (germline): Likely benign. Review status: criteria provided, single submitter (1 of 4 stars). 2 submissions from 2 submitters: Likely benign (1). 1 of the submissions does not count toward it. Last evaluated 2023-10-28.

Conditions:
ADCY3-related disorder. Also called: ADCY3-related condition.

Allele frequency attached by ClinVar (database versions not stated): ExAC 0.00003.
gnomAD v4.1: 26 of 1,590,560 alleles (0.0016%); highest among the groups gnomAD compares: Admixed American, 0.045%; no homozygotes.

Submissions (2):

Labcorp Genetics (formerly Invitae), Labcorp
Classification: Likely benign. Last evaluated: 2023-10-28. Review status: criteria provided, single submitter. Criteria: Invitae Variant Classification Sherloc (09022015). Collection method: clinical testing. Allele origin: germline.

PreventionGenetics, part of Exact Sciences
Classification: Likely benign for ADCY3-related condition. Last evaluated: 2019-12-26. Review status: no assertion criteria provided. Collection method: clinical testing. Allele origin: germline. Not counted in ClinVar's aggregate classification.
Comment: This variant is classified as likely benign based on ACMG/AMP sequence variant interpretation guidelines (Richards et al. 2015 PMID: 25741868, with internal and published modifications).

NM_004036.5(ADCY3):c.1134C>T (p.Asp378=)

Gene: ADCY3 (adenylate cyclase 3; minus strand). Cytogenetic location: 2p23.3.
Variant type: single nucleotide variant.
Coding change: c.1134C>T on transcript NM_004036.5 (MANE Select); coding-DNA position 1134, C replaced by T.
Protein change: p.Asp378=; no amino-acid change (aspartic acid 378 retained).
Molecular consequence: synonymous variant.
Genome position (GRCh38, 1-based): chr2:24,841,321, G>A on the plus strand (C>T on the coding strand, the complement: ADCY3 is on the minus strand). VCF-style: chr2-24841321-G-A. GRCh37 (hg19) VCF-style: chr2-25064190-G-A.
Other names: c.1134C>T, p.Asp378= (NM_001320613.2, NM_001377128.1, NM_001377129.1 and 2 more transcripts); c.411C>T, p.Asp137= (NM_001377131.1); c.1134C>T (NM_001320613.1).
Identifiers: ClinVar variation 2718414 (VCV002718414.5), dbSNP rs771851785, ClinGen allele CA1554286.